The following is an entry in ClinVar:

NM_000548.5(TSC2):c.4971C>T (p.Phe1657=)

Gene: TSC2 (TSC complex subunit 2; plus strand). Cytogenetic location: 16p13.3.
Variant type: single nucleotide variant.
Coding change: c.4971C>T on transcript NM_000548.5 (MANE Select); coding-DNA position 4971, C replaced by T.
Protein change: p.Phe1657=; no amino-acid change (phenylalanine 1657 retained).
Molecular consequence: synonymous variant.
Genome position (GRCh38, 1-based): chr16:2,086,853, C>T. VCF-style: chr16-2086853-C-T. GRCh37 (hg19) VCF-style: chr16-2136854-C-T.
Other names: c.4770C>T, p.Phe1590= (NM_001077183.3); c.4902C>T, p.Phe1634= (NM_001114382.3); c.4662C>T, p.Phe1554= (NM_001318827.2); c.4626C>T, p.Phe1542= (NM_001318829.2); c.4239C>T, p.Phe1413= (NM_001318831.2); c.4803C>T, p.Phe1601= (NM_001318832.2); c.4773C>T, p.Phe1591= (NM_001363528.2); c.4839C>T, p.Phe1613= (NM_001370404.1); and 1 more.
Identifiers: ClinVar variation 752512 (VCV000752512.18), dbSNP rs1596444029, ClinGen allele CA492960032.

ClinVar aggregate classification (germline): Benign/Likely benign. Review status: criteria provided, multiple submitters, no conflicts (2 of 4 stars). 4 submissions from 4 submitters: Benign (1); Likely benign (3). Last evaluated 2024-07-29.

Conditions:
Tuberous sclerosis syndrome (TSC). Also called: Tuberous sclerosis; Tuberous Sclerosis Complex. Identifiers: Orphanet 805, MedGen C0041341, MONDO:0001734.
Tuberous sclerosis 2 (TSC2). Identifiers: Orphanet 805, MedGen C1860707, MONDO:0013199, OMIM 613254.
Hereditary cancer-predisposing syndrome. Also called: Tumor predisposition; Hereditary Cancer Syndrome; Neoplastic Syndromes, Hereditary; Hereditary neoplastic syndrome. Identifiers: Orphanet 140162, MedGen C0027672, MeSH D009386, MONDO:0015356.

Submissions (4):

All of Us Research Program, National Institutes of Health
Classification: Likely benign for Tuberous sclerosis syndrome. Last evaluated: 2024-07-29. Review status: criteria provided, single submitter. Criteria: ACMG Guidelines, 2015. Collection method: clinical testing. Allele origin: germline. Inheritance: Autosomal dominant inheritance. Observed: 1 variant allele, 1 heterozygote.
Comment: This study involves interpretation of variants in research participants for the purpose of population health screening. Participant phenotype was not available at the time of variant classification. Additional details can be found in publication PMID: 35346344, PMCID: PMC8962531

Labcorp Genetics (formerly Invitae), Labcorp
Classification: Likely benign for Tuberous sclerosis 2. Last evaluated: 2023-05-19. Review status: criteria provided, single submitter. Criteria: Invitae Variant Classification Sherloc (09022015). Collection method: clinical testing. Allele origin: germline.

Genome-Nilou Lab
Classification: Benign for Tuberous sclerosis 2. Last evaluated: 2021-11-07. Review status: criteria provided, single submitter. Criteria: ACMG Guidelines, 2015. Collection method: clinical testing. Allele origin: germline. Affected: no.

Ambry Genetics
Classification: Likely benign for Hereditary cancer-predisposing syndrome. Last evaluated: 2019-07-23. Review status: criteria provided, single submitter. Criteria: Ambry Variant Classification Scheme 2023. Collection method: clinical testing. Allele origin: germline.